The following is an entry in ClinVar:

ClinVar aggregate classification (germline): Benign. Review status: criteria provided, multiple submitters, no conflicts (2 of 4 stars). 14 submissions from 10 submitters: Benign (13). 1 of the submissions does not count toward it. Last evaluated 2026-02-04.

Conditions:
Autosomal recessive limb-girdle muscular dystrophy type 2Q (LGMDR17). Also called: MUSCULAR DYSTROPHY, LIMB-GIRDLE, AUTOSOMAL RECESSIVE 17. Identifiers: Orphanet 254361, MedGen C3150989, MONDO:0013390, OMIM 613723.
Epidermolysis bullosa simplex 5C, with pyloric atresia (EBS5C). Also called: PLEC-Related Epidermolysis Bullosa with Pyloric Atresia; Epidermolysis bullosa simplex with pyloric atresia; PLEC1-Related Epidermolysis Bullosa with Pyloric Atresia. Identifiers: Orphanet 158684, MedGen C2677349, MONDO:0012807, OMIM 612138.
Epidermolysis bullosa simplex 5B, with muscular dystrophy (EBS5B). Also called: EPIDERMOLYSIS BULLOSA SIMPLEX AND LIMB-GIRDLE MUSCULAR DYSTROPHY; Epidermolysis bullosa simplex with muscular dystrophy. Identifiers: Orphanet 257, MedGen C2931072, MONDO:0009181, OMIM 226670.
Epidermolysis bullosa simplex with nail dystrophy (EBS5D). Identifiers: MedGen C4225309, MONDO:0014661, OMIM 616487.
Epidermolysis bullosa simplex, Ogna type (EBS5A). Also called: EPIDERMOLYSIS BULLOSA SIMPLEX 5A, OGNA TYPE; Pidermolysis bullosa simplex 5A, Ogna type. Identifiers: Orphanet 79401, MedGen C0432317, MONDO:0007555, OMIM 131950.

Allele frequency attached by ClinVar (database versions not stated): 1000 Genomes Project 30x 0.22876; 1000 Genomes Project 0.23023; TOPMed 0.28142; ESP Exome Variant Server 0.28868; gnomAD 0.29943 and 0.30125; gnomAD exomes 0.34390 and 0.39703; ExAC 0.35355.
gnomAD v4.1: 621,833 of 1,604,480 alleles (39%); highest among the groups gnomAD compares: Non-Finnish European, 42%; 127,005 homozygotes.

Submissions (14):

Labcorp Genetics (formerly Invitae), Labcorp
Classification: Benign for Autosomal recessive limb-girdle muscular dystrophy type 2Q; Epidermolysis bullosa simplex, Ogna type; Epidermolysis bullosa simplex with nail dystrophy; Epidermolysis bullosa simplex 5C, with pyloric atresia; Epidermolysis bullosa simplex 5B, with muscular dystrophy. Last evaluated: 2026-02-04. Review status: criteria provided, single submitter. Criteria: Invitae Variant Classification Sherloc (09022015). Collection method: clinical testing. Allele origin: germline.

Blueprint Genetics
Classification: Benign. Last evaluated: 2024-11-27. Review status: criteria provided, single submitter. Criteria: ACMG Guidelines, 2015. Collection method: clinical testing. Allele origin: germline.

Genome-Nilou Lab
Classification: Benign for Epidermolysis bullosa simplex with nail dystrophy. Last evaluated: 2021-10-25. Review status: criteria provided, single submitter. Criteria: ACMG Guidelines, 2015. Collection method: clinical testing. Allele origin: germline. Affected: no.

Genome-Nilou Lab
Classification: Benign for Epidermolysis bullosa simplex, Ogna type. Last evaluated: 2021-10-25. Review status: criteria provided, single submitter. Criteria: ACMG Guidelines, 2015. Collection method: clinical testing. Allele origin: germline. Affected: no.

Genome-Nilou Lab
Classification: Benign for Epidermolysis bullosa simplex 5B, with muscular dystrophy. Last evaluated: 2021-10-25. Review status: criteria provided, single submitter. Criteria: ACMG Guidelines, 2015. Collection method: clinical testing. Allele origin: germline. Affected: no.

Genome-Nilou Lab
Classification: Benign for Epidermolysis bullosa simplex 5C, with pyloric atresia. Last evaluated: 2021-10-25. Review status: criteria provided, single submitter. Criteria: ACMG Guidelines, 2015. Collection method: clinical testing. Allele origin: germline. Affected: no.

Genome-Nilou Lab
Classification: Benign for Autosomal recessive limb-girdle muscular dystrophy type 2Q. Last evaluated: 2021-10-25. Review status: criteria provided, single submitter. Criteria: ACMG Guidelines, 2015. Collection method: clinical testing. Allele origin: germline. Affected: no.

Mayo Clinic Laboratories, Mayo Clinic
Classification: Benign. Last evaluated: 2017-07-24. Review status: criteria provided, single submitter. Criteria: ACMG Guidelines, 2015. Collection method: clinical testing. Allele origin: germline. Observed: 784 variant alleles.

GeneDx
Classification: Benign. Last evaluated: 2015-03-03. Review status: criteria provided, single submitter. Criteria: GeneDx Variant Classification Process June 2021. Collection method: clinical testing. Allele origin: germline. Affected: yes.

Laboratory for Molecular Medicine, Mass General Brigham Personalized Medicine
Classification: Benign. Last evaluated: 2015-01-13. Review status: criteria provided, single submitter. Criteria: LMM Criteria. Collection method: clinical testing. Allele origin: germline. Observed: 9 variant alleles.
Comment: p.Ala2284Ala in exon 31 of PLEC: This variant is not expected to have clinical s ignificance because it does not alter an amino acid residue and is not located w ithin the splice consensus sequence. It has been identified in 38.7% (3097/8012) of European American chromosomes from a broad population by the NHLBI Exome Seq uencing Project (dbSNP rs7016416).

Eurofins Ntd Llc (ga)
Classification: Benign. Last evaluated: 2013-04-18. Review status: criteria provided, single submitter. Criteria: EGL Classification Definitions 2015. Collection method: clinical testing. Allele origin: germline. Observed: 11 variant alleles, 10 heterozygotes, 1 homozygote.

Breakthrough Genomics
Classification: Benign. Review status: criteria provided, single submitter. Criteria: ACMG Guidelines, 2015. Collection method: not provided. Allele origin: germline. Inheritance: Autosomal recessive inheritance. Affected: yes.

PreventionGenetics, part of Exact Sciences
Classification: Benign. Review status: criteria provided, single submitter. Criteria: ACMG Guidelines, 2015. Collection method: clinical testing. Allele origin: germline.

Genetic Services Laboratory, University of Chicago
Classification: Likely benign for AllHighlyPenetrant. Review status: no assertion criteria provided. Collection method: clinical testing. Allele origin: germline. Inheritance: Autosomal recessive inheritance. Not counted in ClinVar's aggregate classification.
Comment: Likely benign based on allele frequency in 1000 Genomes Project or ESP global frequency and its presence in a patient with a rare or unrelated disease phenotype. NOT Sanger confirmed.

NM_201384.3(PLEC):c.6441G>A (p.Ala2147=)

Gene: PLEC (plectin; minus strand). Cytogenetic location: 8q24.3.
Variant type: single nucleotide variant.
Coding change: c.6441G>A on transcript NM_201384.3 (MANE Select); coding-DNA position 6441, G replaced by A.
Protein change: p.Ala2147=; no amino-acid change (alanine 2147 retained).
Molecular consequence: synonymous variant.
Genome position (GRCh38, 1-based): chr8:143,923,488, C>T on the plus strand (G>A on the coding strand, the complement: PLEC is on the minus strand). VCF-style: chr8-143923488-C-T. GRCh37 (hg19) VCF-style: chr8-144997656-C-T.
Other names: p.Ala2133=; c.6522G>A, p.Ala2174= (NM_000445.5); c.6399G>A, p.Ala2133= (NM_201378.4); c.6375G>A, p.Ala2125= (NM_201379.3); c.6852G>A, p.Ala2284= (NM_201380.4); c.6345G>A, p.Ala2115= (NM_201381.3); c.6441G>A, p.Ala2147= (NM_201382.4); c.6453G>A, p.Ala2151= (NM_201383.3).
Identifiers: ClinVar variation 93073 (VCV000093073.28), dbSNP rs7016416, ClinGen allele CA146500.